The following is an entry in ClinVar:

ClinVar aggregate classification (germline): Uncertain significance (1 of 4 stars; one submission).

Allele frequency attached by ClinVar (database versions not stated): gnomAD exomes below 0.00001.
gnomAD v4.1: 1 of 1,613,928 alleles (0.000062%); highest among the groups gnomAD compares: Admixed American, 0.0017%; no homozygotes.

Submission:

Labcorp Genetics (formerly Invitae), Labcorp
Classification: Uncertain significance. Last evaluated: 2022-02-11. Review status: criteria provided, single submitter. Criteria: Invitae Variant Classification Sherloc (09022015). Collection method: clinical testing. Allele origin: germline.
Comment: This sequence change replaces proline, which is neutral and non-polar, with serine, which is neutral and polar, at codon 815 of the HPS3 protein (p.Pro815Ser). This variant is present in population databases (no rsID available, gnomAD 0.003%). This variant has not been reported in the literature in individuals affected with HPS3-related conditions. Algorithms developed to predict the effect of missense changes on protein structure and function output the following: SIFT: "Tolerated"; PolyPhen-2: "Benign"; Align-GVGD: "Class C0". The serine amino acid residue is found in multiple mammalian species, which suggests that this missense change does not adversely affect protein function. In summary, the available evidence is currently insufficient to determine the role of this variant in disease. Therefore, it has been classified as a Variant of Uncertain Significance.

NM_032383.5(HPS3):c.2443C>T (p.Pro815Ser)

Genes: CP (ceruloplasmin; minus strand), HPS3 (HPS3 biogenesis of lysosomal organelles complex 2 subunit 1; plus strand). Cytogenetic location: 3q24.
Variant type: single nucleotide variant.
Coding change: c.2443C>T on transcript NM_032383.5 (MANE Select); coding-DNA position 2443, C replaced by T.
Protein change: p.Pro815Ser; replaces proline 815 with serine.
Molecular consequence: missense variant. On other transcripts: non-coding transcript variant (1).
Genome position (GRCh38, 1-based): chr3:149,162,840, C>T. VCF-style: chr3-149162840-C-T. GRCh37 (hg19) VCF-style: chr3-148880627-C-T.
Other names: c.1948C>T, p.Pro650Ser (NM_001308258.2); short protein forms P650S, P815S.
Identifiers: ClinVar variation 1903961 (VCV001903961.2), dbSNP rs1429446149, ClinGen allele CA354924580.
Genomic context (GRCh38, chr3:149,162,840, plus strand): 5'-CTTCAGGAACTCTTTTTCAAACTCACATCACAGTACATCTGGAGATTGTCTAAGAGGCAG[C>T]CTCCTGACACCACACCATTGCGAACATCGGAGGATCTGGTAAGATAATGGAATAATACCT-3'
Protein context (NP_115759.2, residues 805-825): QYIWRLSKRQ[Pro815Ser]PDTTPLRTSE